The following is an entry in ClinVar:

ClinVar aggregate classification (germline): Likely benign (1 of 4 stars; one submission).

Allele frequency attached by ClinVar (database versions not stated): gnomAD exomes below 0.00001.
gnomAD v4.1: 3 of 1,592,730 alleles (0.00019%); highest among the groups gnomAD compares: Non-Finnish European, 0.00026%; no homozygotes.

Submission:

GeneDx
Classification: Likely benign. Last evaluated: 2019-04-26. Review status: criteria provided, single submitter. Criteria: GeneDx Variant Classification Process June 2021. Collection method: clinical testing. Allele origin: germline. Affected: yes.
Comment: Has not been previously published as pathogenic or benign to our knowledge

NM_001370298.3(FGD4):c.2308T>C (p.Leu770=)

Gene: FGD4 (FYVE, RhoGEF and PH domain containing 4; plus strand). Cytogenetic location: 12p11.21.
Variant type: single nucleotide variant.
Coding change: c.2308T>C on transcript NM_001370298.3 (MANE Select); coding-DNA position 2308, T replaced by C.
Protein change: p.Leu770=; no amino-acid change (leucine 770 retained).
Molecular consequence: synonymous variant.
Genome position (GRCh38, 1-based): chr12:32,633,684, T>C. VCF-style: chr12-32633684-T-C. GRCh37 (hg19) VCF-style: chr12-32786618-T-C.
Other names: c.2152T>C, p.Leu718= (NM_001304481.2); c.1153T>C, p.Leu385= (NM_001304483.2); c.865T>C, p.Leu289= (NM_001304484.2); c.1618T>C, p.Leu540= (NM_001330373.2, NM_001330374.2, NM_001384130.1); c.1345T>C, p.Leu449= (NM_001370297.1); c.2308T>C, p.Leu770= (NM_001384126.1); c.1897T>C, p.Leu633= (NM_001384127.1, NM_001384128.1, NM_001385118.1 and 1 more transcripts).
Identifiers: ClinVar variation 1213446 (VCV001213446.3), dbSNP rs1950623210, ClinGen allele CA479169747.